The following is an entry in ClinVar:

NM_017841.4(SDHAF2):c.298A>G (p.Lys100Glu)

Gene: SDHAF2 (succinate dehydrogenase complex assembly factor 2; plus strand). Cytogenetic location: 11q12.2.
Variant type: single nucleotide variant.
Coding change: c.298A>G on transcript NM_017841.4 (MANE Select); coding-DNA position 298, A replaced by G.
Protein change: p.Lys100Glu; replaces lysine 100 with glutamic acid.
Molecular consequence: missense variant.
Genome position (GRCh38, 1-based): chr11:61,438,041, A>G. VCF-style: chr11-61438041-A-G. GRCh37 (hg19) VCF-style: chr11-61205513-A-G.
Other names: short protein forms K100E.
Identifiers: ClinVar variation 1337716 (VCV001337716.8), dbSNP rs2134892837, ClinGen allele CA380684095.

ClinVar aggregate classification (germline): Uncertain significance. Review status: criteria provided, multiple submitters, no conflicts (2 of 4 stars). 3 submissions from 3 submitters: Uncertain significance (3). Last evaluated 2025-04-21.

Conditions:
Hereditary pheochromocytoma and paraganglioma. Also called: Hereditary Paraganglioma-Pheochromocytoma Syndromes; Hereditary pheochromocytoma-paraganglioma; Hereditary paragangliomas and pheochromocytomas. Identifiers: Orphanet 29072, MedGen C4274332, MONDO:0017366.
Hereditary cancer-predisposing syndrome. Also called: Hereditary Cancer Syndrome; Hereditary neoplastic syndrome; Neoplastic Syndromes, Hereditary; Tumor predisposition. Identifiers: Orphanet 140162, MedGen C0027672, MeSH D009386, MONDO:0015356.

Allele frequency attached by ClinVar (database versions not stated): gnomAD exomes 0.00001.
gnomAD v4.1: 6 of 1,614,132 alleles (0.00037%); highest among the groups gnomAD compares: Non-Finnish European, 0.00051%; no homozygotes.

Submissions (3):

Ambry Genetics
Classification: Uncertain significance for Hereditary cancer-predisposing syndrome. Last evaluated: 2025-04-21. Review status: criteria provided, single submitter. Criteria: Ambry Variant Classification Scheme 2023. Collection method: clinical testing. Allele origin: germline.
Comment: The p.K100E variant (also known as c.298A>G), located in coding exon 3 of the SDHAF2 gene, results from an A to G substitution at nucleotide position 298. The lysine at codon 100 is replaced by glutamic acid, an amino acid with similar properties. This amino acid position is conserved. In addition, this alteration is predicted to be tolerated by in silico analysis. Since supporting evidence is limited at this time, the clinical significance of this alteration remains unclear.

Labcorp Genetics (formerly Invitae), Labcorp
Classification: Uncertain significance for Hereditary pheochromocytoma and paraganglioma. Last evaluated: 2023-06-05. Review status: criteria provided, single submitter. Criteria: Invitae Variant Classification Sherloc (09022015). Collection method: clinical testing. Allele origin: germline.
Comment: In summary, the available evidence is currently insufficient to determine the role of this variant in disease. Therefore, it has been classified as a Variant of Uncertain Significance. An algorithm developed to predict the effect of missense changes on protein structure and function (PolyPhen-2) suggests that this variant¬†is likely to be tolerated. ClinVar contains an entry for this variant (Variation ID: 1337716). This variant has not been reported in the literature in individuals affected with SDHAF2-related conditions. This variant is not present in population databases (gnomAD no frequency). This sequence change replaces lysine, which is basic and polar, with glutamic acid, which is acidic and polar, at codon 100 of the SDHAF2 protein (p.Lys100Glu).

Genetic Services Laboratory, University of Chicago
Classification: Uncertain significance. Last evaluated: 2020-09-25. Review status: criteria provided, single submitter. Criteria: ACMG Guidelines, 2015. Collection method: clinical testing. Allele origin: germline. Affected: no.
Comment: DNA sequence analysis of the SDHAF2 gene demonstrated a sequence change, c.298A>G, in exon 3 that results in an amino acid change, p.Lys100Glu. This sequence change does not appear to have been previously described in patients with SDHAF2-related disorders and has also not been described in population databases (gnomAD, ExAC). The p.Lys100Glu change affects a moderately conserved amino acid residue located in a domain of the SDHAF2 protein that is known to be functional. The p.Lys100Glu substitution appears to be benign using several in-silico pathogenicity prediction tools (SIFT, PolyPhen2, Align GVGD, REVEL). Due to these contrasting evidences and the lack of functional studies, the clinical significance of the p.Lys100Glu change remains unknown at this time.